The following is an entry in ClinVar:

ClinVar aggregate classification (germline): Uncertain significance (1 of 4 stars; one submission).

Conditions:
MSX1-related disorder. Also called: MSX1-related condition.

Allele frequency attached by ClinVar (database versions not stated): gnomAD exomes below 0.00001; TOPMed 0.00001.
gnomAD v4.1: 6 of 1,508,010 alleles (0.0004%); highest among the groups gnomAD compares: Admixed American, 0.0064%; no homozygotes.

Submission:

PreventionGenetics, part of Exact Sciences
Classification: Uncertain significance for MSX1-related condition. Last evaluated: 2022-09-15. Review status: criteria provided, single submitter. Criteria: ACMG Guidelines, 2015. Collection method: clinical testing. Allele origin: germline.
Comment: The MSX1 c.245C>T variant is predicted to result in the amino acid substitution p.Pro82Leu. To our knowledge, this variant has not been reported in the literature. This variant is reported in 0.015% of alleles in individuals of Latino descent in gnomAD. At this time, the clinical significance of this variant is uncertain due to the absence of conclusive functional and genetic evidence.

NM_002448.3(MSX1):c.245C>T (p.Pro82Leu)

Genes: MSX1 (msh homeobox 1; plus strand), LOC129992137 (ATAC-STARR-seq lymphoblastoid silent region 15219; plus strand). Cytogenetic location: 4p16.2.
Variant type: single nucleotide variant.
Coding change: c.245C>T on transcript NM_002448.3 (MANE Select); coding-DNA position 245, C replaced by T.
Protein change: p.Pro82Leu; replaces proline 82 with leucine.
Molecular consequence: missense variant.
Genome position (GRCh38, 1-based): chr4:4,860,144, C>T. VCF-style: chr4-4860144-C-T. GRCh37 (hg19) VCF-style: chr4-4861871-C-T.
Other names: short protein forms P82L.
Identifiers: ClinVar variation 2634175 (VCV002634175.1), dbSNP rs1248813501, ClinGen allele CA356137458.